The following is an entry in ClinVar:

ClinVar aggregate classification (germline): Uncertain significance. Review status: criteria provided, multiple submitters, no conflicts (2 of 4 stars). 3 submissions from 3 submitters: Uncertain significance (3). Last evaluated 2023-02-13.

Conditions:
Cardiomyopathy (CMYO). Also called: Cardiomyopathies. Identifiers: Orphanet 167848, MedGen C0878544, MONDO:0004994, HP:0001638. Inheritance: Various modes of inheritance.
Dilated cardiomyopathy 1G (CMD1G). Identifiers: Orphanet 154, MedGen C1858763, MONDO:0011400, OMIM 604145.

Allele frequency attached by ClinVar (database versions not stated): gnomAD 0.00001; gnomAD exomes 0.00001 and 0.00002; TOPMed 0.00001; ExAC 0.00002.
gnomAD v4.1: 19 of 1,613,792 alleles (0.0012%); highest among the groups gnomAD compares: East Asian, 0.0045%; no homozygotes.

Submissions (3):

Revvity Omics, Revvity
Classification: Uncertain significance. Last evaluated: 2023-02-13. Review status: criteria provided, single submitter. Criteria: ACMG Guidelines, 2015. Collection method: clinical testing. Allele origin: germline.

Baylor Genetics
Classification: Uncertain significance for Dilated cardiomyopathy 1G. Last evaluated: 2020-06-08. Review status: criteria provided, single submitter. Criteria: ACMG Guidelines, 2015. Collection method: clinical testing. Allele origin: unknown. Affected: yes.
Comment: This variant was determined to be of uncertain significance according to ACMG Guidelines, 2015 [PMID:25741868].

CHEO Genetics Diagnostic Laboratory, Children's Hospital of Eastern Ontario
Classification: Uncertain significance for Cardiomyopathy. Last evaluated: 2017-06-09. Review status: criteria provided, single submitter. Criteria: ACMG Guidelines, 2015. Collection method: clinical testing. Allele origin: germline. Study: Canadian Open Genetics Repository.

NM_001267550.2(TTN):c.30503C>T (p.Thr10168Met)

Gene: TTN (titin; minus strand). Cytogenetic location: 2q31.2.
Variant type: single nucleotide variant.
Coding change: c.30503C>T on transcript NM_001267550.2 (MANE Select); coding-DNA position 30503, C replaced by T.
Protein change: p.Thr10168Met; replaces threonine 10168 with methionine.
Molecular consequence: missense variant. On other transcripts: intron variant (3).
Genome position (GRCh38, 1-based): chr2:178,702,176, G>A on the plus strand (C>T on the coding strand, the complement: TTN is on the minus strand). VCF-style: chr2-178702176-G-A. GRCh37 (hg19) VCF-style: chr2-179566903-G-A.
Other names: c.26771C>T, p.Thr8924Met (NM_133378.4); c.29552C>T, p.Thr9851Met (NM_001256850.1); c.13282+35906C>T (NM_003319.4); c.13858+35906C>T (NM_133437.4); c.13657+35906C>T (NM_133432.3); short protein forms T10168M, T9851M, T8924M.
Identifiers: ClinVar variation 626412 (VCV000626412.6), dbSNP rs746275042, ClinGen allele CA1999157.